The following is an entry in ClinVar:

NM_021814.5(ELOVL5):c.532G>A (p.Val178Ile)

Gene: ELOVL5 (ELOVL fatty acid elongase 5; minus strand). Cytogenetic location: 6p12.1.
Variant type: single nucleotide variant.
Coding change: c.532G>A on transcript NM_021814.5 (MANE Select); coding-DNA position 532, G replaced by A.
Protein change: p.Val178Ile; replaces valine 178 with isoleucine.
Molecular consequence: missense variant. On other transcripts: intron variant (1).
Genome position (GRCh38, 1-based): chr6:53,273,309, C>T on the plus strand (G>A on the coding strand, the complement: ELOVL5 is on the minus strand). VCF-style: chr6-53273309-C-T. GRCh37 (hg19) VCF-style: chr6-53138107-C-T.
Other names: c.613G>A (NM_001242828.1); c.613G>A, p.Val205Ile (NM_001242828.2); c.532G>A, p.Val178Ile (NM_001301856.2); c.496+1781G>A (NM_001242830.2); short protein forms V178I, V205I.
Identifiers: ClinVar variation 2715696 (VCV002715696.5), dbSNP rs754985930, ClinGen allele CA3859690.
Genomic context (GRCh38, chr6:53,273,309, plus strand): 5'-ACCAGAGGTATGGACGCATGGAAGGGACTGACGACAAACCATAGTAAGAGTACATGAGGA[C>T]GTGGATGAAGCTATTAAGTGTGGCACCAAAATAAGCTGCAGGAACAGAGGGATTTGGGAA-3'
Protein context (NP_068586.1, residues 168-188): FGATLNSFIH[Val178Ile]LMYSYYGLSS

ClinVar aggregate classification (germline): Uncertain significance. Review status: criteria provided, multiple submitters, no conflicts (2 of 4 stars). 3 submissions from 3 submitters: Uncertain significance (3). Last evaluated 2026-03-11.

Conditions:
Inborn genetic diseases. Identifiers: MedGen C0950123, MeSH D030342.

Allele frequency attached by ClinVar (database versions not stated): gnomAD exomes 0.00001; ExAC 0.00002; gnomAD 0.00003; TOPMed 0.00020.
gnomAD v4.1: 23 of 1,612,734 alleles (0.0014%); highest among the groups gnomAD compares: Admixed American, 0.01%; no homozygotes.

Submissions (3):

Women's Health and Genetics/Laboratory Corporation of America, LabCorp
Classification: Uncertain significance. Last evaluated: 2026-03-11. Review status: criteria provided, single submitter. Criteria: LabCorp Variant Classification Summary - May 2015. Collection method: clinical testing. Allele origin: germline.
Comment: Variant summary: ELOVL5 c.532G>A (p.Val178Ile) results in a conservative amino acid change in the encoded protein sequence. Algorithms developed to predict the effect of missense changes on protein structure and function are either unavailable or do not agree on the potential impact of this missense change. The variant allele was found at a frequency of 3.2e-05 in 251114 control chromosomes. The available data on variant occurrences in the general population are insufficient to allow any conclusion about variant significance. To our knowledge, no occurrence of c.532G>A in individuals affected with ELOVL5-related conditions and no experimental evidence demonstrating its impact on protein function have been reported. ClinVar contains an entry for this variant (Variation ID: 2715696). Based on the evidence outlined above, the variant was classified as uncertain significance.

Labcorp Genetics (formerly Invitae), Labcorp
Classification: Uncertain significance. Last evaluated: 2025-10-27. Review status: criteria provided, single submitter. Criteria: Invitae Variant Classification Sherloc (09022015). Collection method: clinical testing. Allele origin: germline.
Comment: This sequence change replaces valine, which is neutral and non-polar, with isoleucine, which is neutral and non-polar, at codon 178 of the ELOVL5 protein (p.Val178Ile). This variant is present in population databases (rs754985930, gnomAD 0.007%). This variant has not been reported in the literature in individuals affected with ELOVL5-related conditions. ClinVar contains an entry for this variant (Variation ID: 2715696). Invitae Evidence Modeling of protein sequence and biophysical properties (such as structural, functional, and spatial information, amino acid conservation, physicochemical variation, residue mobility, and thermodynamic stability) indicates that this missense variant is not expected to disrupt ELOVL5 protein function with a negative predictive value of 80%. In summary, the available evidence is currently insufficient to determine the role of this variant in disease. Therefore, it has been classified as a Variant of Uncertain Significance.

Ambry Genetics
Classification: Uncertain significance for Inborn genetic diseases. Last evaluated: 2023-11-13. Review status: criteria provided, single submitter. Criteria: Ambry Variant Classification Scheme 2023. Collection method: clinical testing. Allele origin: germline.